The following is an entry in ClinVar:

NM_000535.7(PMS2):c.156T>C (p.Thr52=)

Gene: PMS2 (PMS1 homolog 2, mismatch repair system component; minus strand). Cytogenetic location: 7p22.1.
Variant type: single nucleotide variant.
Coding change: c.156T>C on transcript NM_000535.7 (MANE Select); coding-DNA position 156, T replaced by C.
Protein change: p.Thr52=; no amino-acid change (threonine 52 retained).
Molecular consequence: synonymous variant. On other transcripts: 5 prime UTR variant (8), non-coding transcript variant (1), intron variant (3).
Genome position (GRCh38, 1-based): chr7:6,005,899, A>G on the plus strand (T>C on the coding strand, the complement: PMS2 is on the minus strand). VCF-style: chr7-6005899-A-G. GRCh37 (hg19) VCF-style: chr7-6045530-A-G.
Other names: c.-250T>C (NM_001322003.2, NM_001322005.2, NM_001322009.2 and 1 more transcripts); c.156T>C, p.Thr52= (NM_001322006.2, NM_001322014.2); c.-60T>C (NM_001322007.2); c.-729T>C (NM_001322011.2, NM_001322012.2); c.-329T>C (NM_001322015.2); c.-52-1841T>C (NM_001322008.2); c.-242-1841T>C (NM_001322010.2, NM_001322004.2); c.156T>C (NM_000535.5).
Identifiers: ClinVar variation 1133568 (VCV001133568.11), dbSNP rs2128843815, ClinGen allele CA453649892.

ClinVar aggregate classification (germline): Benign/Likely benign. Review status: criteria provided, multiple submitters, no conflicts (2 of 4 stars). 3 submissions from 3 submitters: Benign (1); Likely benign (2). Last evaluated 2025-01-23.

Conditions:
Hereditary nonpolyposis colorectal neoplasms. Identifiers: MedGen C0009405, MeSH D003123.
Lynch syndrome 4 (LYNCH4). Also called: Colorectal cancer, hereditary nonpolyposis, type 4; Hereditary non-polyposis colorectal cancer, type 4. Identifiers: Orphanet 144, MedGen C1838333, MONDO:0013699, OMIM 614337. Disease mechanism: loss of function.
Hereditary cancer-predisposing syndrome. Also called: Neoplastic Syndromes, Hereditary; Hereditary Cancer Syndrome; Tumor predisposition; Hereditary neoplastic syndrome. Identifiers: Orphanet 140162, MedGen C0027672, MeSH D009386, MONDO:0015356.

Submissions (3):

Myriad Genetics, Inc.
Classification: Benign for Lynch syndrome 4. Last evaluated: 2025-01-23. Review status: criteria provided, single submitter. Criteria: Myriad Autosomal Dominant, Autosomal Recessive and X-Linked Classification Criteria (2023). Collection method: clinical testing. Allele origin: unknown.
Comment: This variant is considered benign. This variant is a silent/synonymous amino acid change and it is not expected to impact splicing.

Labcorp Genetics (formerly Invitae), Labcorp
Classification: Likely benign for Hereditary nonpolyposis colorectal neoplasms. Last evaluated: 2025-01-13. Review status: criteria provided, single submitter. Criteria: Invitae Variant Classification Sherloc (09022015). Collection method: clinical testing. Allele origin: germline.

Ambry Genetics
Classification: Likely benign for Hereditary cancer-predisposing syndrome. Last evaluated: 2024-03-17. Review status: criteria provided, single submitter. Criteria: Ambry Variant Classification Scheme 2023. Collection method: clinical testing. Allele origin: germline.